The following is an entry in ClinVar:

ClinVar aggregate classification (germline): Uncertain significance. Review status: criteria provided, multiple submitters, no conflicts (2 of 4 stars). 2 submissions from 2 submitters: Uncertain significance (2). Last evaluated 2025-05-27.

Conditions:
Inborn genetic diseases. Identifiers: MedGen C0950123, MeSH D030342.
Congenital brain dysgenesis due to glutamine synthetase deficiency (GLND). Also called: GLUTAMINE SYNTHASE DEFICIENCY, CONGENITAL SYSTEMIC. Identifiers: Orphanet 71278, MedGen C1864910, MONDO:0012393, OMIM 610015.

Allele frequency attached by ClinVar (database versions not stated): ExAC 0.00002; gnomAD exomes 0.00002; TOPMed 0.00006; ESP Exome Variant Server 0.00008; gnomAD 0.00009.
gnomAD v4.1: 41 of 1,613,594 alleles (0.0025%); highest among the groups gnomAD compares: Admixed American, 0.005%; no homozygotes.

Submissions (2):

Labcorp Genetics (formerly Invitae), Labcorp
Classification: Uncertain significance for Congenital brain dysgenesis due to glutamine synthetase deficiency. Last evaluated: 2025-05-27. Review status: criteria provided, single submitter. Criteria: Invitae Variant Classification Sherloc (09022015). Collection method: clinical testing. Allele origin: germline.
Comment: This sequence change replaces arginine, which is basic and polar, with cysteine, which is neutral and slightly polar, at codon 357 of the GLUL protein (p.Arg357Cys). This variant is present in population databases (rs372138459, gnomAD 0.006%). This variant has not been reported in the literature in individuals affected with GLUL-related conditions. ClinVar contains an entry for this variant (Variation ID: 2359955). Invitae Evidence Modeling of protein sequence and biophysical properties (such as structural, functional, and spatial information, amino acid conservation, physicochemical variation, residue mobility, and thermodynamic stability) indicates that this missense variant is not expected to disrupt GLUL protein function with a negative predictive value of 80%. In summary, the available evidence is currently insufficient to determine the role of this variant in disease. Therefore, it has been classified as a Variant of Uncertain Significance.

Ambry Genetics
Classification: Uncertain significance for Inborn genetic diseases. Last evaluated: 2021-09-15. Review status: criteria provided, single submitter. Criteria: Ambry Variant Classification Scheme 2023. Collection method: clinical testing. Allele origin: germline.

NM_001033044.4(GLUL):c.1069C>T (p.Arg357Cys)

Gene: GLUL (glutamate-ammonia ligase; minus strand). Cytogenetic location: 1q25.3.
Variant type: single nucleotide variant.
Coding change: c.1069C>T on transcript NM_001033044.4 (MANE Select); coding-DNA position 1069, C replaced by T.
Protein change: p.Arg357Cys; replaces arginine 357 with cysteine.
Molecular consequence: missense variant.
Genome position (GRCh38, 1-based): chr1:182,384,458, G>A on the plus strand (C>T on the coding strand, the complement: GLUL is on the minus strand). VCF-style: chr1-182384458-G-A. GRCh37 (hg19) VCF-style: chr1-182353593-G-A.
Other names: c.1069C>T, p.Arg357Cys (NM_001033056.4, NM_002065.7); short protein forms R357C.
Identifiers: ClinVar variation 2359955 (VCV002359955.3), dbSNP rs372138459, ClinGen allele CA1276970.
Genomic context (GRCh38, chr1:182,384,458, plus strand): 5'-AGTCCACTTAATTTTTGTACTGGAAGGGCTCATCGCCGGTTTCATTGAGAAGACACGTGC[G>A]GATGAGGGCTTCTGTCACCGAAAAGGGGTCGCAGTTGGCAGAGGGGCGACGATCTTCAAA-3'
Protein context (NP_001028216.1, residues 347-367): DPFSVTEALI[Arg357Cys]TCLLNETGDE